The following is an entry in ClinVar:

Conditions:
Breast-ovarian cancer, familial, susceptibility to, 1 (BROVCA1). Also called: BRCA1 Hereditary Breast and Ovarian Cancer; OVARIAN CANCER, SUSCEPTIBILITY TO. Identifiers: Orphanet 145, MedGen C2676676, MONDO:0011450, OMIM 604370. Disease mechanism: loss of function.

Submission:

Brotman Baty Institute, University of Washington
No classification provided (evidence only). Condition: Breast-ovarian cancer, familial 1. Review status: no classification provided. Collection method: in vitro. Allele origin: not applicable. Functional consequence: function_uncertain_variant.
ClinVar note: "not provided" was previously submitted as the classification for the variant. However, the classification appeared to be based only on an observation of functional data so it was converted to no classification on 2025-07-30.

NM_007294.4(BRCA1):c.127T>A (p.Phe43Ile)

Gene: BRCA1 (BRCA1 DNA repair associated; minus strand). Cytogenetic location: 17q21.31.
Variant type: single nucleotide variant.
Coding change: c.127T>A on transcript NM_007294.4 (MANE Select); coding-DNA position 127, T replaced by A.
Protein change: p.Phe43Ile; replaces phenylalanine 43 with isoleucine.
Molecular consequence: missense variant. On other transcripts: non-coding transcript variant (1), intron variant (1).
Genome position (GRCh38, 1-based): chr17:43,115,733, A>T on the plus strand (T>A on the coding strand, the complement: BRCA1 is on the minus strand). VCF-style: chr17-43115733-A-T. GRCh37 (hg19) VCF-style: chr17-41267750-A-T.
Other names: c.127T>A, p.Phe43Ile (NM_001407617.1, NM_001407618.1, NM_001407619.1 and 192 more transcripts); c.-131T>A (NM_001407727.1, NM_001407731.1, NM_001407733.1 and 13 more transcripts); c.-15T>A (NM_001407728.1, NM_001407729.1, NM_001407730.1 and 47 more transcripts); c.-11T>A (NM_001407841.1); c.-62T>A (NM_001407853.1, NM_001407879.1, NM_001407882.1 and 52 more transcripts); c.-178T>A (NM_001407889.1, NM_001407900.1, NM_001408492.1); c.-177T>A (NM_001407960.1, NM_001407962.1, NM_001408510.1 and 1 more transcripts); c.-293T>A (NM_001407965.1); and 2 more; short protein forms F43I.
Identifiers: ClinVar variation 867511 (VCV000867511.3), dbSNP rs1555599214, ClinGen allele CA10601905.